The following is an entry in ClinVar:

ClinVar aggregate classification (germline): Uncertain significance. Review status: criteria provided, multiple submitters, no conflicts (2 of 4 stars). 2 submissions from 2 submitters: Uncertain significance (2). Last evaluated 2025-06-23.

Conditions:
Cardiovascular phenotype. Identifiers: MedGen CN230736.

Allele frequency attached by ClinVar (database versions not stated): gnomAD 0.00001; gnomAD exomes 0.00001; TOPMed 0.00002.
gnomAD v4.1: 9 of 1,553,338 alleles (0.00058%); highest among the groups gnomAD compares: Non-Finnish European, 0.00078%; no homozygotes.

Submissions (2):

Ambry Genetics
Classification: Uncertain significance for Cardiovascular phenotype. Last evaluated: 2025-06-23. Review status: criteria provided, single submitter. Criteria: Ambry Variant Classification Scheme 2023. Collection method: clinical testing. Allele origin: germline.
Comment: The p.R1415H variant (also known as c.4244G>A), located in coding exon 6 of the ALPK3 gene, results from a G to A substitution at nucleotide position 4244. The arginine at codon 1415 is replaced by histidine, an amino acid with highly similar properties. This amino acid position is conserved. In addition, this alteration is predicted to be tolerated by in silico analysis. Based on the available evidence, the clinical significance of this variant remains unclear.

Labcorp Genetics (formerly Invitae), Labcorp
Classification: Uncertain significance. Last evaluated: 2022-04-22. Review status: criteria provided, single submitter. Criteria: Invitae Variant Classification Sherloc (09022015). Collection method: clinical testing. Allele origin: germline.
Comment: This sequence change replaces arginine, which is basic and polar, with histidine, which is basic and polar, at codon 1415 of the ALPK3 protein (p.Arg1415His). This variant is present in population databases (no rsID available, gnomAD no frequency). This variant has not been reported in the literature in individuals affected with ALPK3-related conditions. Algorithms developed to predict the effect of missense changes on protein structure and function output the following: SIFT: "Deleterious"; PolyPhen-2: "Benign"; Align-GVGD: "Class C0". The histidine amino acid residue is found in multiple mammalian species, which suggests that this missense change does not adversely affect protein function. In summary, the available evidence is currently insufficient to determine the role of this variant in disease. Therefore, it has been classified as a Variant of Uncertain Significance.

NM_020778.5(ALPK3):c.3638G>A (p.Arg1213His)

Gene: ALPK3 (alpha kinase 3; plus strand). Cytogenetic location: 15q25.3.
Variant type: single nucleotide variant.
Coding change: c.3638G>A on transcript NM_020778.5 (MANE Select); coding-DNA position 3638, G replaced by A.
Protein change: p.Arg1213His; replaces arginine 1213 with histidine.
Molecular consequence: missense variant.
Genome position (GRCh38, 1-based): chr15:84,858,376, G>A. VCF-style: chr15-84858376-G-A. GRCh37 (hg19) VCF-style: chr15-85401607-G-A.
Other names: c.4244G>A (NM_020778.4); short protein forms R1213H.
Identifiers: ClinVar variation 1916144 (VCV001916144.3), dbSNP rs1289262135, ClinGen allele CA393360658.